The following is an entry in ClinVar:

ClinVar aggregate classification (germline): Uncertain significance (1 of 4 stars; one submission).

Submission:

Labcorp Genetics (formerly Invitae), Labcorp
Classification: Uncertain significance. Last evaluated: 2021-02-03. Review status: criteria provided, single submitter. Criteria: Invitae Variant Classification Sherloc (09022015). Collection method: clinical testing. Allele origin: germline.
Comment: Algorithms developed to predict the effect of missense changes on protein structure and function output the following: SIFT: "Tolerated"; PolyPhen-2: "Benign"; Align-GVGD: "Class C0". The glutamic acid amino acid residue is found in multiple mammalian species, suggesting that this missense change does not adversely affect protein function. These predictions have not been confirmed by published functional studies and their clinical significance is uncertain. In summary, the available evidence is currently insufficient to determine the role of this variant in disease. Therefore, it has been classified as a Variant of Uncertain Significance. This variant has not been reported in the literature in individuals with UMOD-related conditions. This variant is not present in population databases (ExAC no frequency). This sequence change replaces glycine with glutamic acid at codon 336 of the UMOD protein (p.Gly336Glu). The glycine residue is weakly conserved and there is a moderate physicochemical difference between glycine and glutamic acid.

NM_003361.4(UMOD):c.1007G>A (p.Gly336Glu)

Gene: UMOD (uromodulin; minus strand). Cytogenetic location: 16p12.3.
Variant type: single nucleotide variant.
Coding change: c.1007G>A on transcript NM_003361.4 (MANE Select); coding-DNA position 1007, G replaced by A.
Protein change: p.Gly336Glu; replaces glycine 336 with glutamic acid.
Molecular consequence: missense variant. On other transcripts: non-coding transcript variant (1).
Genome position (GRCh38, 1-based): chr16:20,346,301, C>T on the plus strand (G>A on the coding strand, the complement: UMOD is on the minus strand). VCF-style: chr16-20346301-C-T. GRCh37 (hg19) VCF-style: chr16-20357623-C-T.
Other names: c.1007G>A, p.Gly336Glu (NM_001008389.3, NM_001378232.1, NM_001378233.1 and 3 more transcripts); c.1106G>A, p.Gly369Glu (NM_001278614.2); short protein forms G369E, G336E.
Identifiers: ClinVar variation 1507468 (VCV001507468.8), dbSNP rs2141666766, ClinGen allele CA394983557.